The following is an entry in ClinVar:

ClinVar aggregate classification (germline): Pathogenic. Review status: criteria provided, multiple submitters, no conflicts (2 of 4 stars). 2 submissions from 2 submitters: Pathogenic (2). Last evaluated 2022-09-14.

Conditions:
Familial adenomatous polyposis 2. Also called: COLORECTAL ADENOMATOUS POLYPOSIS, AUTOSOMAL RECESSIVE; ADENOMAS, MULTIPLE COLORECTAL, AUTOSOMAL RECESSIVE; MUTYH-associated polyposis; MUTYH Polyposis; Adenomas, multiple colorectal; MUTYH-related attenuated familial adenomatous polyposis. Identifiers: Orphanet 220460, Orphanet 247798, MedGen C3272841, MONDO:0012041, OMIM 608456.

Submissions (2):

Labcorp Genetics (formerly Invitae), Labcorp
Classification: Pathogenic for Familial adenomatous polyposis 2. Last evaluated: 2022-09-14. Review status: criteria provided, single submitter. Criteria: Invitae Variant Classification Sherloc (09022015). Collection method: clinical testing. Allele origin: germline.
Comment: ClinVar contains an entry for this variant (Variation ID: 1455088). Algorithms developed to predict the effect of sequence changes on RNA splicing suggest that this variant may disrupt the consensus splice site. For these reasons, this variant has been classified as Pathogenic. This variant is also known as c.303C>G (p.Tyr101X). This sequence change creates a premature translational stop signal (p.Tyr104*) in the MUTYH gene. It is expected to result in an absent or disrupted protein product. Loss-of-function variants in MUTYH are known to be pathogenic (PMID: 18534194, 20663686). This variant is not present in population databases (gnomAD no frequency). This premature translational stop signal has been observed in individual(s) with MUTYH-associated polyposis (MAP) (PMID: 26414517).

Baylor Genetics
Classification: Pathogenic for Familial adenomatous polyposis 2. Last evaluated: 2021-07-23. Review status: criteria provided, single submitter. Criteria: ACMG Guidelines, 2015. Collection method: clinical testing. Allele origin: unknown.

Literature cited by the submitters: PubMed 18534194 (cited by Labcorp Genetics (formerly Invitae), Labcorp); PubMed 20663686 (cited by Labcorp Genetics (formerly Invitae), Labcorp); PubMed 26414517 (cited by Labcorp Genetics (formerly Invitae), Labcorp).

NM_001048174.2(MUTYH):c.228C>G (p.Tyr76Ter)

Gene: MUTYH (mutY DNA glycosylase; minus strand). Cytogenetic location: 1p34.1.
Variant type: single nucleotide variant.
Coding change: c.228C>G on transcript NM_001048174.2 (MANE Select); coding-DNA position 228, C replaced by G.
Protein change: p.Tyr76Ter; replaces tyrosine 76 with a stop codon.
Molecular consequence: nonsense. On other transcripts: 5 prime UTR variant (4), non-coding transcript variant (2).
Genome position (GRCh38, 1-based): chr1:45,333,449, G>C on the plus strand (C>G on the coding strand, the complement: MUTYH is on the minus strand). VCF-style: chr1-45333449-G-C. GRCh37 (hg19) VCF-style: chr1-45799121-G-C.
Other names: c.228C>G, p.Tyr76Ter (NM_001048171.2, NM_001048173.2, NM_001293195.2); c.231C>G, p.Tyr77Ter (NM_001048172.2); c.312C>G, p.Tyr104Ter (NM_001128425.2); c.273C>G, p.Tyr91Ter (NM_001293190.2); c.261C>G, p.Tyr87Ter (NM_001293191.2); c.-49C>G (NM_001293192.2, NM_001293196.2); c.-44C>G (NM_001350650.2, NM_001350651.2); c.303C>G, p.Tyr101Ter (NM_012222.3); short protein forms Y104*, Y76*, Y77*, Y87*, Y91*, Y101*.
Identifiers: ClinVar variation 1455088 (VCV001455088.7), dbSNP rs121908380, ClinGen allele CA340136402.
Genomic context (GRCh38, chr1:45,333,449, plus strand): 5'-TGTCCCTGCTCCTCGCCTGCCTACCCGTCTTCTCCATGGTAGGTCCCGTTTCTCTTGGTC[G>C]TACCAGCTTAGCAGGCTCCCTCGGAAGGCTGTGACTTCAGCTACGTCTCTGAATAGATGG-3'